The following is an entry in ClinVar:

ClinVar aggregate classification (germline): Benign (1 of 4 stars; one submission).

Conditions:
Sulfite oxidase deficiency. Also called: Isolated sulfite oxidase deficiency. Identifiers: Orphanet 833, Orphanet 99731, MedGen C0268624, MONDO:0010089, OMIM 272300, HP:0003643.

Allele frequency attached by ClinVar (database versions not stated): 1000 Genomes Project 30x 0.00640; gnomAD 0.00544 and 0.00602; 1000 Genomes Project 0.00579; TOPMed 0.00609.

Submission:

Illumina Laboratory Services, Illumina
Classification: Benign for Sulfite oxidase deficiency. Last evaluated: 2017-04-27. Review status: criteria provided, single submitter. Criteria: ICSL Variant Classification Criteria 13 December 2019. Collection method: clinical testing. Allele origin: germline.
Comment: This variant was observed as part of a predisposition screen in an ostensibly healthy population. A literature search was performed for the gene, cDNA change, and amino acid change (where applicable). No publications were found based on this search. Allele frequency data from public databases was too high to be consistent with this variant causing disease. Therefore, this variant is classified as benign.

NM_001032386.2(SUOX):c.-107C>T

Gene: SUOX (sulfite oxidase; plus strand). Cytogenetic location: 12q13.2.
Variant type: single nucleotide variant.
Coding change: c.-107C>T on transcript NM_001032386.2 (MANE Select); 107 bases upstream of the start codon, C replaced by T.
Molecular consequence: 5 prime UTR variant. On other transcripts: intron variant (1).
Genome position (GRCh38, 1-based): chr12:55,997,627, C>T. VCF-style: chr12-55997627-C-T. GRCh37 (hg19) VCF-style: chr12-56391411-C-T.
Other names: c.-233C>T (NM_000456.3); c.-11+288C>T (NM_001032387.2).
Identifiers: ClinVar variation 883741 (VCV000883741.5), dbSNP rs114410290, ClinGen allele CA237603877.